The following is an entry in ClinVar:

NM_003274.5(TRAPPC10):c.2283G>A (p.Ser761=)

Gene: TRAPPC10 (trafficking protein particle complex subunit 10; plus strand). Cytogenetic location: 21q22.3.
Variant type: single nucleotide variant.
Coding change: c.2283G>A on transcript NM_003274.5 (MANE Select); coding-DNA position 2283, G replaced by A.
Protein change: p.Ser761=; no amino-acid change (serine 761 retained).
Molecular consequence: synonymous variant.
Genome position (GRCh38, 1-based): chr21:44,084,166, G>A. VCF-style: chr21-44084166-G-A. GRCh37 (hg19) VCF-style: chr21-45504047-G-A.
Other names: c.882G>A, p.Ser294= (NM_001351709.1).
Identifiers: ClinVar variation 4873895 (VCV004873895.2).

ClinVar aggregate classification (germline): Likely benign (1 of 4 stars; one submission).

gnomAD v4.1: 16 of 1,614,038 alleles (0.00099%); highest among the groups gnomAD compares: Middle Eastern, 0.016%; no homozygotes.

Submission:

CeGaT Center for Human Genetics Tuebingen
Classification: Likely benign. Last evaluated: 2026-06-01. Review status: criteria provided, single submitter. Criteria: CeGaT Center For Human Genetics Tuebingen Variant Classification Criteria Version 2. Collection method: clinical testing. Allele origin: germline. Affected: yes. Observed: 1 variant allele.
Comment: TRAPPC10: BP4, BP7